The following is an entry in ClinVar:

ClinVar aggregate classification (germline): Pathogenic. Review status: criteria provided, multiple submitters, no conflicts (2 of 4 stars). 4 submissions from 4 submitters: Pathogenic (3). 1 of the submissions does not count toward it. Last evaluated 2025-11-17.

Conditions:
Hereditary cancer-predisposing syndrome. Also called: Tumor predisposition; Hereditary neoplastic syndrome; Neoplastic Syndromes, Hereditary; Hereditary Cancer Syndrome. Identifiers: Orphanet 140162, MedGen C0027672, MeSH D009386, MONDO:0015356.
Cardiovascular phenotype. Identifiers: MedGen CN230736.
Neurofibromatosis, type 1 (NF1). Also called: Peripheral type neurofibromatosis; VON RECKLINGHAUSEN DISEASE; Neurofibromatosis, type I; NEUROFIBROMATOSIS, TYPE I, SOMATIC. Identifiers: Orphanet 636, MedGen C0027831, MONDO:0018975, OMIM 162200. Disease mechanism: loss of function.

Submissions (4):

Ambry Genetics
Classification: Pathogenic for Cardiovascular phenotype; Hereditary cancer-predisposing syndrome. Last evaluated: 2025-11-17. Review status: criteria provided, single submitter. Criteria: Ambry Variant Classification Scheme 2023. Collection method: clinical testing. Allele origin: germline.
Comment: The c.889-1G>C intronic pathogenic mutation results from a G to C substitution one nucleotide upstream from coding exon 9 of the NF1 gene. This variant was reported in multiple individuals with features consistent with neurofibromatosis type 1 (Baralle D et al. J Med Genet, 2005 Oct;42:737-48; external communication; Ambry internal data). This variant is considered to be rare based on population cohorts in the Genome Aggregation Database (gnomAD). This nucleotide position is highly conserved in available vertebrate species. In silico splice site analysis predicts that this alteration will weaken the native splice acceptor site; however, direct evidence is insufficient at this time (Ambry internal data). Alterations that disrupt the canonical splice site are expected to cause aberrant splicing, resulting in an abnormal protein or a transcript that is subject to nonsense-mediated mRNA decay. As such, this alteration is classified as a disease-causing mutation.

GeneDx
Classification: Pathogenic. Last evaluated: 2025-04-18. Review status: criteria provided, single submitter. Criteria: GeneDx Variant Classification Process June 2021. Collection method: clinical testing. Allele origin: germline. Affected: yes.
Comment: Canonical splice site variant expected to result in aberrant splicing, although in the absence of functional evidence the actual effect of this sequence change is unknown.; Deletions involving coding exons of this gene are a known mechanism of disease (HGMD); Observed in an individual reportedly diagnosed with neurofibromatosis type 1 (PMID: 16199547); Not observed at significant frequency in large population cohorts (gnomAD); This variant is associated with the following publications: (PMID: 25525159, 16199547)

Labcorp Genetics (formerly Invitae), Labcorp
Classification: Pathogenic for Neurofibromatosis, type 1. Last evaluated: 2024-01-20. Review status: criteria provided, single submitter. Criteria: Invitae Variant Classification Sherloc (09022015). Collection method: clinical testing. Allele origin: germline.
Comment: This sequence change affects an acceptor splice site in intron 8 of the NF1 gene. It is expected to disrupt RNA splicing. Variants that disrupt the donor or acceptor splice site typically lead to a loss of protein function (PMID: 16199547), and loss-of-function variants in NF1 are known to be pathogenic (PMID: 10712197, 23913538). This variant is not present in population databases (gnomAD no frequency). Disruption of this splice site has been observed in individuals with clinical diagnosis or suspicion of neurofibromatosis type 1 (PMID: 10076878, 18546366, 24789688, 30308447). ClinVar contains an entry for this variant (Variation ID: 492875). Algorithms developed to predict the effect of sequence changes on RNA splicing suggest that this variant may disrupt the consensus splice site. For these reasons, this variant has been classified as Pathogenic.

Clinical Molecular Genetics Laboratory, Johns Hopkins All Children's Hospital
Classification: Pathogenic for Neurofibromatosis, type 1. Last evaluated: 2016-03-10. Review status: no assertion criteria provided. Collection method: clinical testing. Allele origin: germline. Affected: yes. Not counted in ClinVar's aggregate classification.

Literature cited by the submitters: PubMed 16199547 (cited by Ambry Genetics and Labcorp Genetics (formerly Invitae), Labcorp); PubMed 10712197 (cited by Labcorp Genetics (formerly Invitae), Labcorp); PubMed 23913538 (cited by Labcorp Genetics (formerly Invitae), Labcorp); PubMed 10076878 (cited by Labcorp Genetics (formerly Invitae), Labcorp); PubMed 18546366 (cited by Labcorp Genetics (formerly Invitae), Labcorp); PubMed 24789688 (cited by Labcorp Genetics (formerly Invitae), Labcorp); PubMed 30308447 (cited by Labcorp Genetics (formerly Invitae), Labcorp).

NM_001042492.3(NF1):c.889-1G>C

Gene: NF1 (neurofibromin 1; plus strand). Cytogenetic location: 17q11.2.
Variant type: single nucleotide variant.
Coding change: c.889-1G>C on transcript NM_001042492.3 (MANE Select); the canonical splice acceptor site of the intron before coding-DNA position 889, G replaced by C.
Molecular consequence: splice acceptor variant.
Genome position (GRCh38, 1-based): chr17:31,200,421, G>C. VCF-style: chr17-31200421-G-C. GRCh37 (hg19) VCF-style: chr17-29527439-G-C.
Other names: c.889-1G>C (NM_000267.4, NM_001128147.3).
Identifiers: ClinVar variation 492875 (VCV000492875.11), dbSNP rs587781517, ClinGen allele CA398995476.